The following is an entry in ClinVar:

ClinVar aggregate classification (germline): Likely pathogenic. Review status: reviewed by expert panel (3 of 4 stars). 4 submissions from 4 submitters: Likely pathogenic (1). 3 of the submissions do not count toward it. Last evaluated 2025-12-12.

Conditions:
Cardiovascular phenotype. Identifiers: MedGen CN230736.
Telangiectasia, hereditary hemorrhagic, type 2 (HHT2). Also called: ACVRL1-Related Hereditary Hemorrhagic Telangiectasia; Telangiectasia, hereditary hemorrhagic, type II. Identifiers: Orphanet 774, MedGen C1838163, MONDO:0010880, OMIM 600376. Disease mechanism: loss of function.
Pulmonary hypertension, primary, 1 (PPH1). Also called: Pulmonary hypertension, familial primary, 1, with or without HHT. Identifiers: Orphanet 422, MedGen C4552070, MONDO:0024533, OMIM 178600.

Submissions (4):

ClinGen Hereditary Hemorrhagic Telangiectasia Variant Curation Expert Panel, ClinGen
Classification: Likely pathogenic for Telangiectasia, hereditary hemorrhagic, type 2. Last evaluated: 2025-12-12. Review status: reviewed by expert panel. Criteria: ClinGen HHT ACMG Specifications ACVRL1 V1.1.0. Collection method: curation. Allele origin: germline. Inheritance: Autosomal dominant inheritance.
Comment: The NM_000020.3: c.293A>G variant in ACVRL1 is a missense variant predicted to cause substitution of asparagine by serine at amino acid 98 (p.Asn98Ser). This variant is absent from gnomAD v2.1.1 (PM2_Supporting). The computational predictor REVEL gives a score of 0.508, which is neither above nor below the thresholds predicting a damaging or benign impact on ACVRL1 function. Functional assays showed the variant protein to be non-functional (PS3_Supporting; Internal lab contributors). This variant has been reported in 5 probands with a phenotype consistent with HHT (PS4_Strong; PMIDs: 16690726, 18498373, Internal lab contributors). In summary, this variant meets the criteria to be classified as Likely Pathogenic for autosomal dominant hereditary hemorrhagic telangiectasia based on the ACMG/AMP criteria applied, as specified by the ClinGen Hereditary Hemorrhagic Telangiectasia Variant Curation Expert Panel. Approved by Expert Panel:12/12/2025. Evidence used: PS4_Strong, PM2_Supporting, PS3_Supporting (specification version 1.1.0; 12/12/2025).

Ambry Genetics
Classification: Uncertain significance for Cardiovascular phenotype. Last evaluated: 2025-03-20. Review status: criteria provided, single submitter. Criteria: Ambry Variant Classification Scheme 2023. Collection method: clinical testing. Allele origin: germline. Not counted in ClinVar's aggregate classification.
Comment: The p.N98S variant (also known as c.293A>G), located in coding exon 2 of the ACVRL1 gene, results from an A to G substitution at nucleotide position 293. The asparagine at codon 98 is replaced by serine, an amino acid with highly similar properties. This variant has been reported in subjects with features of hereditary hemorrhagic telangiectasia (HHT) (Prigoda NL et al. J Med Genet, 2006 Sep;43:722-8; Brakensiek K et al. Clin Genet, 2008 Aug;74:171-7; S&aacute;nchez-Mart&iacute;nez R et al. Orphanet J Rare Dis, 2020 Jun;15:138). This amino acid position is well conserved in available vertebrate species. In addition, this alteration is predicted to be tolerated by in silico analysis. Based on the available evidence, the clinical significance of this variant remains unclear.

Labcorp Genetics (formerly Invitae), Labcorp
Classification: Pathogenic for Telangiectasia, hereditary hemorrhagic, type 2. Last evaluated: 2022-06-09. Review status: criteria provided, single submitter. Criteria: Invitae Variant Classification Sherloc (09022015). Collection method: clinical testing. Allele origin: germline. Not counted in ClinVar's aggregate classification.
Comment: For these reasons, this variant has been classified as Pathogenic. This sequence change replaces asparagine, which is neutral and polar, with serine, which is neutral and polar, at codon 98 of the ACVRL1 protein (p.Asn98Ser). This variant is not present in population databases (gnomAD no frequency). This missense change has been observed in individual(s) with hereditary hemorrhagic telangiectasia (HHT) (PMID: 16690726, 18498373, 32503579; Invitae). ClinVar contains an entry for this variant (Variation ID: 426011). Algorithms developed to predict the effect of missense changes on protein structure and function (SIFT, PolyPhen-2, Align-GVGD) all suggest that this variant is likely to be disruptive. Algorithms developed to predict the effect of sequence changes on RNA splicing suggest that this variant may create or strengthen a splice site.

Rare Disease Genomics Group, St George's University of London
Classification: Pathogenic for Primary pulmonary hypertension. Review status: no assertion criteria provided. Collection method: literature only. Allele origin: germline. Affected: yes. Not counted in ClinVar's aggregate classification.

Literature cited by the submitters: PubMed 16690726 (cited by Ambry Genetics and Labcorp Genetics (formerly Invitae), Labcorp); PubMed 18498373 (cited by Ambry Genetics and Labcorp Genetics (formerly Invitae), Labcorp); PubMed 32503579 (cited by Ambry Genetics and Labcorp Genetics (formerly Invitae), Labcorp); PubMed 26387786 (cited by Rare Disease Genomics Group, St George's University of London).

NM_000020.3(ACVRL1):c.293A>G (p.Asn98Ser)

Gene: ACVRL1 (activin A receptor like type 1; plus strand). Cytogenetic location: 12q13.13.
Variant type: single nucleotide variant.
Coding change: c.293A>G on transcript NM_000020.3 (MANE Select); coding-DNA position 293, A replaced by G.
Protein change: p.Asn98Ser; replaces asparagine 98 with serine.
Molecular consequence: missense variant.
Genome position (GRCh38, 1-based): chr12:51,913,330, A>G. VCF-style: chr12-51913330-A-G. GRCh37 (hg19) VCF-style: chr12-52307114-A-G.
Other names: NM_000020.3(ACVRL1):c.293A>G; p.Asn98Ser; c.293A>G, p.Asn98Ser (NM_001077401.2); short protein forms N98S.
Identifiers: ClinVar variation 426011 (VCV000426011.12), dbSNP rs1085307406, ClinGen allele CA384898102.